The following is an entry in ClinVar:

ClinVar aggregate classification (germline): Uncertain significance (1 of 4 stars; one submission).

Conditions:
Neuropathy, hereditary sensory and autonomic, type 2A (HSAN2A). Also called: MORVAN DISEASE; NEUROPATHY, CONGENITAL SENSORY; NEUROPATHY, HEREDITARY SENSORY RADICULAR, AUTOSOMAL RECESSIVE; NEUROPATHY, HEREDITARY SENSORY, TYPE IIA; NEUROPATHY, PROGRESSIVE SENSORY, OF CHILDREN; WNK1-Related HSAN2 (HSAN2A). Identifiers: Orphanet 970, MedGen C2752089, MONDO:0024309, OMIM 201300.
Pseudohypoaldosteronism type 2C (PHA2C). Also called: Pseudohypoaldosteronism Type IIC. Identifiers: Orphanet 757, Orphanet 88940, MedGen C1840391, MONDO:0013778, OMIM 614492.

Allele frequency attached by ClinVar (database versions not stated): gnomAD exomes below 0.00001; TOPMed below 0.00001.
gnomAD v4.1: 1 of 1,612,604 alleles (0.000062%); highest among the groups gnomAD compares: Non-Finnish European, 0.000085%; no homozygotes.

Submission:

Labcorp Genetics (formerly Invitae), Labcorp
Classification: Uncertain significance for Neuropathy, hereditary sensory and autonomic, type 2A; Pseudohypoaldosteronism type 2C. Last evaluated: 2024-10-04. Review status: criteria provided, single submitter. Criteria: Invitae Variant Classification Sherloc (09022015). Collection method: clinical testing. Allele origin: germline.
Comment: This sequence change replaces glutamine, which is neutral and polar, with histidine, which is basic and polar, at codon 949 of the WNK1 protein (p.Gln949His). This variant is present in population databases (no rsID available, gnomAD 0.0009%). This variant has not been reported in the literature in individuals affected with WNK1-related conditions. ClinVar contains an entry for this variant (Variation ID: 1056139). Invitae Evidence Modeling of protein sequence and biophysical properties (such as structural, functional, and spatial information, amino acid conservation, physicochemical variation, residue mobility, and thermodynamic stability) indicates that this missense variant is not expected to disrupt WNK1 protein function with a negative predictive value of 95%. In summary, the available evidence is currently insufficient to determine the role of this variant in disease. Therefore, it has been classified as a Variant of Uncertain Significance.

NM_213655.5(WNK1):c.2847G>T (p.Gln949His)

Gene: WNK1 (WNK lysine deficient protein kinase 1; plus strand). Cytogenetic location: 12p13.33.
Variant type: single nucleotide variant.
Coding change: c.2847G>T on transcript NM_213655.5 (MANE Plus Clinical); coding-DNA position 2847, G replaced by T.
Protein change: p.Gln949His; replaces glutamine 949 with histidine.
Molecular consequence: missense variant. On other transcripts: intron variant (2).
Genome position (GRCh38, 1-based): chr12:868,318, G>T. VCF-style: chr12-868318-G-T. GRCh37 (hg19) VCF-style: chr12-977484-G-T.
Other names: c.2592G>T, p.Gln864His (NM_001184985.2); c.2140-2947G>T (NM_018979.4, NM_014823.3); short protein forms Q864H, Q949H.
Identifiers: ClinVar variation 1056139 (VCV001056139.9), dbSNP rs1056907546, ClinGen allele CA231498942.